The following is an entry in ClinVar:

ClinVar aggregate classification (germline): Uncertain significance. Review status: criteria provided, multiple submitters, no conflicts (2 of 4 stars). 2 submissions from 2 submitters: Uncertain significance (2). Last evaluated 2025-02-14.

Conditions:
Acute myeloid leukemia (AML). Also called: Leukemia, acute myeloid, somatic; Leukemia, acute myelogenous, somatic; Acute myeloid leukemia, adult; AML adult; Acute non-lymphocytic leukemia; Acute granulocytic leukemia. Identifiers: Orphanet 519, MedGen C0023467, MeSH D015470, MONDO:0018874, OMIM 601626, HP:0004808. Disease mechanism: Constitutively activated FLT3.
Inborn genetic diseases. Identifiers: MedGen C0950123, MeSH D030342.

Allele frequency attached by ClinVar (database versions not stated): TOPMed 0.00001; gnomAD 0.00002 and 0.00003.

Submissions (2):

Ambry Genetics
Classification: Uncertain significance for Inborn genetic diseases. Last evaluated: 2025-02-14. Review status: criteria provided, single submitter. Criteria: Ambry Variant Classification Scheme 2023. Collection method: clinical testing. Allele origin: germline.
Comment: The p.R86W variant (also known as c.256C>T), located in coding exon 1 of the CEBPA gene, results from a C to T substitution at nucleotide position 256. The arginine at codon 86 is replaced by tryptophan, an amino acid with dissimilar properties. This amino acid position is conserved. In addition, this alteration is predicted to be tolerated by in silico analysis. Based on the available evidence, the clinical significance of this variant remains unclear.

Labcorp Genetics (formerly Invitae), Labcorp
Classification: Uncertain significance for Acute myeloid leukemia. Last evaluated: 2023-10-22. Review status: criteria provided, single submitter. Criteria: Invitae Variant Classification Sherloc (09022015). Collection method: clinical testing. Allele origin: germline.
Comment: This sequence change replaces arginine, which is basic and polar, with tryptophan, which is neutral and slightly polar, at codon 86 of the CEBPA protein (p.Arg86Trp). This variant is not present in population databases (gnomAD no frequency). This variant has not been reported in the literature in individuals affected with CEBPA-related conditions. ClinVar contains an entry for this variant (Variation ID: 526811). Advanced modeling of protein sequence and biophysical properties (such as structural, functional, and spatial information, amino acid conservation, physicochemical variation, residue mobility, and thermodynamic stability) performed at Invitae indicates that this missense variant is not expected to disrupt CEBPA protein function. In summary, the available evidence is currently insufficient to determine the role of this variant in disease. Therefore, it has been classified as a Variant of Uncertain Significance.

NM_004364.5(CEBPA):c.256C>T (p.Arg86Trp)

Gene: CEBPA (CCAAT enhancer binding protein alpha; minus strand). Cytogenetic location: 19q13.11.
Variant type: single nucleotide variant.
Coding change: c.256C>T on transcript NM_004364.5 (MANE Select); coding-DNA position 256, C replaced by T.
Protein change: p.Arg86Trp; replaces arginine 86 with tryptophan.
Molecular consequence: missense variant. On other transcripts: 5 prime UTR variant (1).
Genome position (GRCh38, 1-based): chr19:33,302,159, G>A on the plus strand (C>T on the coding strand, the complement: CEBPA is on the minus strand). VCF-style: chr19-33302159-G-A. GRCh37 (hg19) VCF-style: chr19-33793065-G-A.
Other names: c.256C>T (NM_004364.3); c.-102C>T (NM_001285829.2); c.361C>T, p.Arg121Trp (NM_001287424.2); c.214C>T, p.Arg72Trp (NM_001287435.2); short protein forms R86W, R72W, R121W.
Identifiers: ClinVar variation 526811 (VCV000526811.11), dbSNP rs1555742243, ClinGen allele CA405275335.